The following is an entry in ClinVar:

NM_000153.4(GALC):c.18C>G (p.Leu6=)

Gene: GALC (galactosylceramidase; minus strand). Cytogenetic location: 14q31.3.
Variant type: single nucleotide variant.
Coding change: c.18C>G on transcript NM_000153.4 (MANE Select); coding-DNA position 18, C replaced by G.
Protein change: p.Leu6=; no amino-acid change (leucine 6 retained).
Molecular consequence: synonymous variant. On other transcripts: intron variant (1).
Genome position (GRCh38, 1-based): chr14:87,993,147, G>C on the plus strand (C>G on the coding strand, the complement: GALC is on the minus strand). VCF-style: chr14-87993147-G-C. GRCh37 (hg19) VCF-style: chr14-88459491-G-C.
Other names: c.18C>G, p.Leu6= (NM_001201401.2); c.117+236C>G (NM_001201402.2).
Identifiers: ClinVar variation 255372 (VCV000255372.42), dbSNP rs886038260, ClinGen allele CA10587193.

ClinVar aggregate classification (germline): Conflicting classifications of pathogenicity. Review status: criteria provided, conflicting classifications (1 of 4 stars). 5 submissions from 5 submitters: Uncertain significance (1); Likely benign (4). Last evaluated 2026-01-28.

Conditions:
Galactosylceramide beta-galactosidase deficiency. Also called: GALACTOCEREBROSIDASE DEFICIENCY; GALC DEFICIENCY; GLOBOID CELL LEUKOENCEPHALOPATHY; Leukodystrophy, Globoid Cell; Krabbe Disease. Identifiers: Orphanet 487, MedGen C0023521, MONDO:0009499, OMIM 245200.

Allele frequency attached by ClinVar (database versions not stated): gnomAD exomes 0.00003; gnomAD 0.00006 and 0.00007; TOPMed 0.00007.
gnomAD v4.1: 95 of 1,583,960 alleles (0.006%); highest among the groups gnomAD compares: Non-Finnish European, 0.008%; no homozygotes.

Submissions (5):

Labcorp Genetics (formerly Invitae), Labcorp
Classification: Likely benign for Galactosylceramide beta-galactosidase deficiency. Last evaluated: 2026-01-28. Review status: criteria provided, single submitter. Criteria: Invitae Variant Classification Sherloc (09022015). Collection method: clinical testing. Allele origin: germline.

Blueprint Genetics
Classification: Likely benign. Last evaluated: 2024-08-06. Review status: criteria provided, single submitter. Criteria: ACMG Guidelines, 2015. Collection method: clinical testing. Allele origin: germline.

CeGaT Center for Human Genetics Tuebingen
Classification: Likely benign. Last evaluated: 2023-06-01. Review status: criteria provided, single submitter. Criteria: CeGaT Center For Human Genetics Tuebingen Variant Classification Criteria Version 2. Collection method: clinical testing. Allele origin: germline. Affected: yes. Observed: 1 variant allele.
Comment: GALC: BP4, BP7

Illumina Laboratory Services, Illumina
Classification: Uncertain significance for Galactosylceramide beta-galactosidase deficiency. Last evaluated: 2018-01-13. Review status: criteria provided, single submitter. Criteria: ICSL Variant Classification Criteria 13 December 2019. Collection method: clinical testing. Allele origin: germline.

PreventionGenetics, part of Exact Sciences
Classification: Likely benign. Review status: criteria provided, single submitter. Criteria: ACMG Guidelines, 2015. Collection method: clinical testing. Allele origin: germline.